The following is an entry in ClinVar:

NM_000018.4(ACADVL):c.1358G>C (p.Arg453Pro)

Gene: ACADVL (acyl-CoA dehydrogenase very long chain; plus strand). Cytogenetic location: 17p13.1.
Variant type: single nucleotide variant.
Coding change: c.1358G>C on transcript NM_000018.4 (MANE Select); coding-DNA position 1358, G replaced by C.
Protein change: p.Arg453Pro; replaces arginine 453 with proline.
Molecular consequence: missense variant.
Genome position (GRCh38, 1-based): chr17:7,223,993, G>C. VCF-style: chr17-7223993-G-C. GRCh37 (hg19) VCF-style: chr17-7127312-G-C.
Other names: c.1292G>C, p.Arg431Pro (NM_001033859.3); c.1427G>C, p.Arg476Pro (NM_001270447.2); c.1130G>C, p.Arg377Pro (NM_001270448.2); short protein forms R377P, R431P, R453P, R476P.
Identifiers: ClinVar variation 932767 (VCV000932767.2), dbSNP rs138058572, ClinGen allele CA397724948.

ClinVar aggregate classification (germline): Uncertain significance (1 of 4 stars; one submission).

Conditions:
Very long chain acyl-CoA dehydrogenase deficiency (ACADVLD). Also called: Very Long-Chain Acyl-Coenzyme A Dehydrogenase Deficiency; VLCAD Deficiency. Identifiers: Orphanet 26793, MedGen C3887523, MONDO:0008723, OMIM 201475.

Submission:

Wong Mito Lab, Molecular and Human Genetics, Baylor College of Medicine
Classification: Uncertain significance for Very long chain acyl-CoA dehydrogenase deficiency. Last evaluated: 2019-11-01. Review status: criteria provided, single submitter. Criteria: ACMG Guidelines, 2015. Collection method: clinical testing. Allele origin: germline.
Comment: The NM_000018.3:c.1358G>C (NP_000009.1:p.Arg453Pro) [GRCH38: NC_000017.11:g.7223993G>C] variant in ACADVL gene is interpretated to be Uncertain Significance based on ACMG guidelines (PMID: 25741868). This variant has been reported. This variant meets the following evidence codes reported in the ACMG guidelines: PP3